The following is an entry in ClinVar:

NM_001009944.3(PKD1):c.3013G>A (p.Val1005Ile)

Gene: PKD1 (polycystin 1, transient receptor potential channel interacting; minus strand). Cytogenetic location: 16p13.3.
Variant type: single nucleotide variant.
Coding change: c.3013G>A on transcript NM_001009944.3 (MANE Select); coding-DNA position 3013, G replaced by A.
Protein change: p.Val1005Ile; replaces valine 1005 with isoleucine.
Molecular consequence: missense variant.
Genome position (GRCh38, 1-based): chr16:2,112,936, C>T on the plus strand (G>A on the coding strand, the complement: PKD1 is on the minus strand). VCF-style: chr16-2112936-C-T. GRCh37 (hg19) VCF-style: chr16-2162937-C-T.
Other names: c.3013G>A, p.Val1005Ile (NM_000296.4); short protein forms V1005I.
Identifiers: ClinVar variation 3213462 (VCV003213462.2), dbSNP rs370648270, ClinGen allele CA7832986.

ClinVar aggregate classification (germline): Uncertain significance. Review status: criteria provided, multiple submitters, no conflicts (2 of 4 stars). 2 submissions from 2 submitters: Uncertain significance (2). Last evaluated 2026-08-31.

Conditions:
PKD1-related disorder. Also called: PKD1-related condition.
Inborn genetic diseases. Identifiers: MedGen C0950123, MeSH D030342.

Allele frequency attached by ClinVar (database versions not stated): ExAC 0.00003; gnomAD 0.00003; TOPMed 0.00005; ESP Exome Variant Server 0.00008; gnomAD exomes 0.00016.
gnomAD v4.1: 241 of 1,602,792 alleles (0.015%); highest among the groups gnomAD compares: Middle Eastern, 0.023%; no homozygotes.

Submissions (2):

PreventionGenetics, part of Exact Sciences
Classification: Uncertain significance for PKD1-related condition. Last evaluated: 2026-08-31. Review status: criteria provided, single submitter. Criteria: ACMG Guidelines, 2015. Collection method: clinical testing. Allele origin: germline.
Comment: The PKD1 c.3013G>A variant is predicted to result in the amino acid substitution p.Val1005Ile. To our knowledge, this variant has not been reported in the literature. This variant is reported in 0.0098% of alleles in individuals of South Asian descent in gnomAD. At this time, the clinical significance of this variant is uncertain due to the absence of conclusive functional and genetic evidence.

Ambry Genetics
Classification: Uncertain significance for Inborn genetic diseases. Last evaluated: 2023-12-22. Review status: criteria provided, single submitter. Criteria: Ambry Variant Classification Scheme 2023. Collection method: clinical testing. Allele origin: germline.